The following is an entry in ClinVar:

ClinVar aggregate classification (germline): Pathogenic (1 of 4 stars; one submission).

Conditions:
LAMA2-related muscular dystrophy (LAMA2-RD). Also called: Laminin alpha 2-related dystrophy. Identifiers: MedGen C5679788, MONDO:0100228.

Submission:

Labcorp Genetics (formerly Invitae), Labcorp
Classification: Pathogenic for LAMA2-related muscular dystrophy. Last evaluated: 2022-07-31. Review status: criteria provided, single submitter. Criteria: Invitae Variant Classification Sherloc (09022015). Collection method: clinical testing. Allele origin: germline.
Comment: For these reasons, this variant has been classified as Pathogenic. This variant has not been reported in the literature in individuals affected with LAMA2-related conditions. This variant is a gross deletion of the genomic region encompassing exon(s) 10 of the LAMA2 gene. This deletion is out-of-frame, and is expected to create a premature termination codon and result in an absent or disrupted protein product. Loss-of-function variants in LAMA2 are known to be pathogenic (PMID: 18700894, 32904964).

Literature cited by the submitters: PubMed 18700894; PubMed 32904964.

NC_000006.12:g.(?_129177696)_(129177876_?)del

Gene: LAMA2 (laminin subunit alpha 2; plus strand). Cytogenetic location: 6q22.33.
Variant type: Deletion.
Identifiers: ClinVar variation 831576 (VCV000831576.7).